The following is an entry in ClinVar:

NM_005159.5(ACTC1):c.281A>G (p.Asn94Ser)

Genes: ACTC1 (actin alpha cardiac muscle 1; minus strand), GJD2-DT (GJD2 divergent transcript; plus strand). Cytogenetic location: 15q14.
Variant type: single nucleotide variant.
Coding change: c.281A>G on transcript NM_005159.5 (MANE Select); coding-DNA position 281, A replaced by G.
Protein change: p.Asn94Ser; replaces asparagine 94 with serine.
Molecular consequence: missense variant.
Genome position (GRCh38, 1-based): chr15:34,793,418, T>C on the plus strand (A>G on the coding strand, the complement: ACTC1 is on the minus strand). VCF-style: chr15-34793418-T-C. GRCh37 (hg19) VCF-style: chr15-35085619-T-C.
Other names: short protein forms N94S.
Identifiers: ClinVar variation 217487 (VCV000217487.8), dbSNP rs767734253, ClinGen allele CA041504.

ClinVar aggregate classification (germline): Conflicting classifications of pathogenicity. Review status: criteria provided, conflicting classifications (1 of 4 stars). 3 submissions from 3 submitters: Likely pathogenic (1); Uncertain significance (2). Last evaluated 2025-08-20.

Conditions:
Cardiovascular phenotype. Identifiers: MedGen CN230736.
Dilated cardiomyopathy 1R (CMD1R). Identifiers: Orphanet 154, Orphanet 54260, MedGen C3150681, MONDO:0013261, OMIM 613424.
Hypertrophic cardiomyopathy 11. Also called: ACTC1-Related Familial Hypertrophic Cardiomyopathy. Identifiers: MedGen C2677506, MONDO:0012799, OMIM 612098.
Atrial septal defect 5 (ASD5). Identifiers: Orphanet 1478, MedGen C2748552, MONDO:0013011, OMIM 612794.

Allele frequency attached by ClinVar (database versions not stated): gnomAD exomes below 0.00001; ExAC 0.00001.

Submissions (3):

Labcorp Genetics (formerly Invitae), Labcorp
Classification: Uncertain significance for Dilated cardiomyopathy 1R; Hypertrophic cardiomyopathy 11; Atrial septal defect 5. Last evaluated: 2025-08-20. Review status: criteria provided, single submitter. Criteria: Invitae Variant Classification Sherloc (09022015). Collection method: clinical testing. Allele origin: germline.
Comment: This sequence change replaces asparagine, which is neutral and polar, with serine, which is neutral and polar, at codon 94 of the ACTC1 protein (p.Asn94Ser). This variant is present in population databases (rs767734253, gnomAD no frequency). This missense change has been observed in individual(s) with left ventricular noncompaction (PMID: 30471092, 34088380). ClinVar contains an entry for this variant (Variation ID: 217487). Invitae Evidence Modeling of protein sequence and biophysical properties (such as structural, functional, and spatial information, amino acid conservation, physicochemical variation, residue mobility, and thermodynamic stability) indicates that this missense variant is not expected to disrupt ACTC1 protein function with a negative predictive value of 80%. In summary, the available evidence is currently insufficient to determine the role of this variant in disease. Therefore, it has been classified as a Variant of Uncertain Significance.

Ambry Genetics
Classification: Uncertain significance for Cardiovascular phenotype. Last evaluated: 2024-01-03. Review status: criteria provided, single submitter. Criteria: Ambry Variant Classification Scheme 2023. Collection method: clinical testing. Allele origin: germline.
Comment: The p.N94S variant (also known as c.281A>G), located in coding exon 2 of the ACTC1 gene, results from an A to G substitution at nucleotide position 281. The asparagine at codon 94 is replaced by serine, an amino acid with highly similar properties. This variant has been detected in an individual from a hypertrophic cardiomyopathy cohort and has also been detected in left ventricular noncompaction and unspecified cardiomyopathy cohorts; however, details were limited (Ho CY et al. Circulation, 2018 Oct;138:1387-1398; Richard P et al. Clin Genet, 2019 Mar;95:356-367; Akinrinade O et al. J Cardiovasc Transl Res, 2023 Dec;16:1287-1302). This amino acid position is highly conserved in available vertebrate species. In addition, the in silico prediction for this alteration is inconclusive. Since supporting evidence is limited at this time, the clinical significance of this alteration remains unclear.

Laboratory of Genetics and Molecular Cardiology, University of São Paulo
Classification: Likely pathogenic for Hypertrophic cardiomyopathy 11. Review status: criteria provided, single submitter. Criteria: LGCM Criteria August 2015. Collection method: clinical testing. Allele origin: germline. Inheritance: Autosomal dominant inheritance. Affected: yes. Observed: 1 variant allele. Study: Sarcomeric Human Cardiomyopathy Registry (ShaRe).

Literature cited by the submitters: PubMed 30471092 (cited by Labcorp Genetics (formerly Invitae), Labcorp and Ambry Genetics); PubMed 34088380 (cited by Labcorp Genetics (formerly Invitae), Labcorp and Ambry Genetics); PubMed 30297972 (cited by Ambry Genetics); PubMed 37477868 (cited by Ambry Genetics).